The following is an entry in ClinVar:

NM_000096.4(CP):c.1217C>A (p.Ala406Glu)

Gene: CP (ceruloplasmin; minus strand). Cytogenetic location: 3q25.1.
Variant type: single nucleotide variant.
Coding change: c.1217C>A on transcript NM_000096.4 (MANE Select); coding-DNA position 1217, C replaced by A.
Protein change: p.Ala406Glu; replaces alanine 406 with glutamic acid.
Molecular consequence: missense variant. On other transcripts: non-coding transcript variant (1).
Genome position (GRCh38, 1-based): chr3:149,202,233, G>T on the plus strand (C>A on the coding strand, the complement: CP is on the minus strand). VCF-style: chr3-149202233-G-T. GRCh37 (hg19) VCF-style: chr3-148920020-G-T.
Other names: p.Ala406Glu; short protein forms A406E.
Identifiers: ClinVar variation 343773 (VCV000343773.14), dbSNP rs147034302, ClinGen allele CA2661092.

ClinVar aggregate classification (germline): Conflicting classifications of pathogenicity. Review status: criteria provided, conflicting classifications (1 of 4 stars). 7 submissions from 7 submitters: Uncertain significance (6); Likely benign (1). Last evaluated 2024-06-12.

Conditions:
Inborn genetic diseases. Identifiers: MedGen C0950123, MeSH D030342.
Deficiency of ferroxidase (ACEP). Also called: Aceruloplasminemia; Ceruloplasmin deficiency; Familial apoceruloplasmin deficiency; Hereditary ceruloplasmin deficiency; Deficiency of ceruloplasmin; NEURODEGENERATION WITH BRAIN IRON ACCUMULATION 10. Identifiers: Orphanet 48818, MedGen C0878682, MONDO:0011426, OMIM 604290, HP:0025498.

Allele frequency attached by ClinVar (database versions not stated): ESP Exome Variant Server 0.00015; gnomAD 0.00019; TOPMed 0.00025.
gnomAD v4.1: 570 of 1,614,026 alleles (0.035%); highest among the groups gnomAD compares: Non-Finnish European, 0.045%; no homozygotes.

Submissions (8):

Mayo Clinic Laboratories, Mayo Clinic
Classification: Uncertain significance. Last evaluated: 2024-06-12. Review status: criteria provided, single submitter. Criteria: ACMG Guidelines, 2015. Collection method: clinical testing. Allele origin: germline. Observed: 1 variant allele.
Comment: PM2

Department of Pathology and Laboratory Medicine, Sinai Health System
Classification: Uncertain significance for aceruloplasminemia. Last evaluated: 2023-10-04. Review status: criteria provided, single submitter. Criteria: ACMG Guidelines, 2015. Collection method: research. Allele origin: germline.

Labcorp Genetics (formerly Invitae), Labcorp
Classification: Uncertain significance for Deficiency of ferroxidase. Last evaluated: 2022-07-30. Review status: criteria provided, single submitter. Criteria: Invitae Variant Classification Sherloc (09022015). Collection method: clinical testing. Allele origin: germline.
Comment: This sequence change replaces alanine, which is neutral and non-polar, with glutamic acid, which is acidic and polar, at codon 406 of the CP protein (p.Ala406Glu). This variant is present in population databases (rs147034302, gnomAD 0.03%). This variant has not been reported in the literature in individuals affected with CP-related conditions. ClinVar contains an entry for this variant (Variation ID: 343773). Advanced modeling of protein sequence and biophysical properties (such as structural, functional, and spatial information, amino acid conservation, physicochemical variation, residue mobility, and thermodynamic stability) performed at Invitae indicates that this missense variant is expected to disrupt CP protein function. In summary, the available evidence is currently insufficient to determine the role of this variant in disease. Therefore, it has been classified as a Variant of Uncertain Significance.

GeneDx
Classification: Uncertain significance. Last evaluated: 2022-07-11. Review status: criteria provided, single submitter. Criteria: GeneDx Variant Classification Process June 2021. Collection method: clinical testing. Allele origin: germline. Affected: yes.
Comment: In silico analysis supports that this missense variant does not alter protein structure/function; Has not been previously published as pathogenic or benign to our knowledge

Ambry Genetics
Classification: Likely benign for Inborn genetic diseases. Last evaluated: 2021-12-07. Review status: criteria provided, single submitter. Criteria: Ambry Variant Classification Scheme 2023. Collection method: clinical testing. Allele origin: germline.

Fulgent Genetics
Classification: Uncertain significance for Deficiency of ferroxidase. Last evaluated: 2018-10-31. Review status: criteria provided, single submitter. Criteria: ACMG Guidelines, 2015. Collection method: clinical testing. Allele origin: unknown.

Illumina Laboratory Services, Illumina
Classification: Uncertain significance for Deficiency of ferroxidase. Last evaluated: 2018-01-13. Review status: criteria provided, single submitter. Criteria: ICSL Variant Classification Criteria 13 December 2019. Collection method: clinical testing. Allele origin: germline.

Dr. Peter K. Rogan Lab, Western University
No classification provided (evidence only). Condition: Familial cancer of breast. Review status: no classification provided. Collection method: in vitro. Allele origin: not applicable. Functional consequence: retained intron. Not counted in ClinVar's aggregate classification.